The following is an entry in ClinVar:

NM_001355436.2(SPTB):c.4453C>T (p.Arg1485Trp)

Gene: SPTB (spectrin beta, erythrocytic; minus strand). Cytogenetic location: 14q23.3.
Variant type: single nucleotide variant.
Coding change: c.4453C>T on transcript NM_001355436.2 (MANE Select); coding-DNA position 4453, C replaced by T.
Protein change: p.Arg1485Trp; replaces arginine 1485 with tryptophan.
Molecular consequence: missense variant.
Genome position (GRCh38, 1-based): chr14:64,779,745, G>A on the plus strand (C>T on the coding strand, the complement: SPTB is on the minus strand). VCF-style: chr14-64779745-G-A. GRCh37 (hg19) VCF-style: chr14-65246463-G-A.
Other names: c.4453C>T, p.Arg1485Trp (NM_001024858.4, NM_001355437.2); short protein forms R1485W.
Identifiers: ClinVar variation 811390 (VCV000811390.9), dbSNP rs373557486, ClinGen allele CA7230315.

ClinVar aggregate classification (germline): Uncertain significance. Review status: criteria provided, multiple submitters, no conflicts (2 of 4 stars). 2 submissions from 2 submitters: Uncertain significance (2). Last evaluated 2025-07-09.

Allele frequency attached by ClinVar (database versions not stated): TOPMed 0.00002; 1000 Genomes Project 30x 0.00016; 1000 Genomes Project 0.00020.
gnomAD v4.1: 53 of 1,614,052 alleles (0.0033%); highest among the groups gnomAD compares: South Asian, 0.011%; no homozygotes.

Submissions (2):

Labcorp Genetics (formerly Invitae), Labcorp
Classification: Uncertain significance. Last evaluated: 2025-07-09. Review status: criteria provided, single submitter. Criteria: Invitae Variant Classification Sherloc (09022015). Collection method: clinical testing. Allele origin: germline.
Comment: This sequence change replaces arginine, which is basic and polar, with tryptophan, which is neutral and slightly polar, at codon 1485 of the SPTB protein (p.Arg1485Trp). This variant is present in population databases (rs373557486, gnomAD 0.004%). This variant has not been reported in the literature in individuals affected with SPTB-related conditions. ClinVar contains an entry for this variant (Variation ID: 811390). An algorithm developed to predict the effect of missense changes on protein structure and function (PolyPhen-2) suggests that this variant is likely to be disruptive. In summary, the available evidence is currently insufficient to determine the role of this variant in disease. Therefore, it has been classified as a Variant of Uncertain Significance.

ARUP Laboratories, Molecular Genetics and Genomics, ARUP Laboratories
Classification: Uncertain significance. Last evaluated: 2019-05-02. Review status: criteria provided, single submitter. Criteria: ARUP Molecular Germline Variant Investigation Process. Collection method: clinical testing. Allele origin: germline.